The following is an entry in ClinVar:

ClinVar aggregate classification (germline): Uncertain significance (1 of 4 stars; one submission).

Submission:

Labcorp Genetics (formerly Invitae), Labcorp
Classification: Uncertain significance. Last evaluated: 2022-08-08. Review status: criteria provided, single submitter. Criteria: Invitae Variant Classification Sherloc (09022015). Collection method: clinical testing. Allele origin: germline.
Comment: In summary, the available evidence is currently insufficient to determine the role of this variant in disease. Therefore, it has been classified as a Variant of Uncertain Significance. Variants that disrupt the consensus splice site are a relatively common cause of aberrant splicing (PMID: 17576681, 9536098). Algorithms developed to predict the effect of sequence changes on RNA splicing suggest that this variant may disrupt the consensus splice site. This variant has not been reported in the literature in individuals affected with IDH3B-related conditions. This variant is not present in population databases (gnomAD no frequency). This sequence change falls in intron 9 of the IDH3B gene. It does not directly change the encoded amino acid sequence of the IDH3B protein. It affects a nucleotide within the consensus splice site.

Literature cited by the submitters: PubMed 17576681; PubMed 9536098.

NM_006899.5(IDH3B):c.915+5G>A

Gene: IDH3B (isocitrate dehydrogenase (NAD(+)) 3 non-catalytic subunit beta; minus strand). Cytogenetic location: 20p13.
Variant type: single nucleotide variant.
Coding change: c.915+5G>A on transcript NM_006899.5 (MANE Select); 5 bases into the intron after coding-DNA position 915, G replaced by A.
Molecular consequence: intron variant.
Genome position (GRCh38, 1-based): chr20:2,660,025, C>T on the plus strand (G>A on the coding strand, the complement: IDH3B is on the minus strand). VCF-style: chr20-2660025-C-T. GRCh37 (hg19) VCF-style: chr20-2640671-C-T.
Other names: c.915+5G>A (NM_174855.4, NM_001330763.2, NM_001258384.3).
Identifiers: ClinVar variation 2022676 (VCV002022676.4), dbSNP rs2514757901, ClinGen allele CA2580097972.